The following is an entry in ClinVar:

ClinVar aggregate classification (germline): Likely benign (1 of 4 stars; one submission).

Allele frequency attached by ClinVar (database versions not stated): ExAC 0.00018; gnomAD exomes 0.00018; gnomAD 0.00057 and 0.00065; ESP Exome Variant Server 0.00069; TOPMed 0.00073.
gnomAD v4.1: 197 of 1,609,682 alleles (0.012%); highest among the groups gnomAD compares: African/African-American, 0.21%; no homozygotes.

Submission:

GeneDx
Classification: Likely benign. Last evaluated: 2017-02-14. Review status: criteria provided, single submitter. Criteria: GeneDx Variant Classification (06012015). Collection method: clinical testing. Allele origin: germline. Affected: yes.
Comment: This variant is considered likely benign or benign based on one or more of the following criteria: it is a conservative change, it occurs at a poorly conserved position in the protein, it is predicted to be benign by multiple in silico algorithms, and/or has population frequency not consistent with disease.

NM_017827.4(SARS2):c.-23T>C

Genes: SARS2 (seryl-tRNA synthetase 2, mitochondrial; minus strand), LOC130064387 (ATAC-STARR-seq lymphoblastoid active region 14604; plus strand). Cytogenetic location: 19q13.2.
Variant type: single nucleotide variant.
Coding change: c.-23T>C on transcript NM_017827.4 (MANE Select); 23 bases upstream of the start codon, T replaced by C.
Molecular consequence: 5 prime UTR variant.
Genome position (GRCh38, 1-based): chr19:38,930,759, A>G on the plus strand (T>C on the coding strand, the complement: SARS2 is on the minus strand). VCF-style: chr19-38930759-A-G. GRCh37 (hg19) VCF-style: chr19-39421399-A-G.
Other names: c.-23T>C (NM_001145901.2).
Identifiers: ClinVar variation 383489 (VCV000383489.1), dbSNP rs373290762, ClinGen allele CA9423381.
Genomic context (GRCh38, chr19:38,930,759, plus strand): 5'-AGCAAAGGCCACAAGCGCCGCGCCATGGACGCAGCCATCTTGGACCGGGAACAAGGCGGC[A>G]CTTCGTCCCGCCCACTCCGCGTTTAGACCAATTGCAAGGCAGCGAACCTGACCGTGACGA-3'